The following is an entry in ClinVar:

NM_001367479.1(DNAH14):c.11619+6A>G

Gene: DNAH14 (dynein axonemal heavy chain 14; plus strand). Cytogenetic location: 1q42.12.
Variant type: single nucleotide variant.
Coding change: c.11619+6A>G on transcript NM_001367479.1 (MANE Select); 6 bases into the intron after coding-DNA position 11619, A replaced by G.
Molecular consequence: intron variant.
Genome position (GRCh38, 1-based): chr1:225,353,894, A>G. VCF-style: chr1-225353894-A-G. GRCh37 (hg19) VCF-style: chr1-225541596-A-G.
Identifiers: ClinVar variation 4280928 (VCV004280928.7).

ClinVar aggregate classification (germline): Likely benign (1 of 4 stars; one submission).

gnomAD v4.1: 219 of 1,386,010 alleles (0.016%); highest among the groups gnomAD compares: East Asian, 0.28%; 2 homozygotes.

Submission:

CeGaT Center for Human Genetics Tuebingen
Classification: Likely benign. Last evaluated: 2025-09-01. Review status: criteria provided, single submitter. Criteria: CeGaT Center For Human Genetics Tuebingen Variant Classification Criteria Version 2. Collection method: clinical testing. Allele origin: germline. Affected: yes. Observed: 1 variant allele.
Comment: DNAH14: BP4